The following is an entry in ClinVar:

ClinVar aggregate classification (germline): Likely pathogenic (1 of 4 stars; one submission).

Conditions:
Cardiovascular phenotype. Identifiers: MedGen CN230736.

Submission:

Ambry Genetics
Classification: Likely pathogenic for Cardiovascular phenotype. Last evaluated: 2023-04-17. Review status: criteria provided, single submitter. Criteria: Ambry Variant Classification Scheme 2023. Collection method: clinical testing. Allele origin: germline.
Comment: The c.68749delT variant, located in coding exon 172 of the TTN gene, results from a deletion of one nucleotide at nucleotide position 68749, causing a translational frameshift with a predicted alternate stop codon (p.S22917Pfs*7). This exon is located in the A-band region of the N2-B isoform of the titin protein and is constitutively expressed in TTN transcripts (percent spliced in or PSI 100%). This variant is considered to be rare based on population cohorts in the Genome Aggregation Database (gnomAD). This alteration is expected to result in loss of function by premature protein truncation or nonsense-mediated mRNA decay. While truncating variants in TTN are present in 1-3% of the general population, truncating variants in the A-band are the most common cause of dilated cardiomyopathy (DCM) (Herman DS et al. N. Engl. J. Med., 2012 Feb;366:619-28; Roberts AM et al. Sci Transl Med, 2015 Jan;7:270ra6). TTN truncating variants encoded in constitutive exons (PSI >90%) have been found to be significantly associated with DCM regardless of their position in titin (Schafer S et al. Nat. Genet., 2017 01;49:46-53). As such, this alteration is classified as likely pathogenic.

NM_001267550.2(TTN):c.95944del (p.Ser31982fs)

Genes: TTN (titin; minus strand), TTN-AS1 (TTN antisense RNA 1; plus strand). Cytogenetic location: 2q31.2.
Variant type: Deletion.
Coding change: c.95944del on transcript NM_001267550.2 (MANE Select); coding-DNA position 95944, one base deleted (T; older notation c.95944delT).
Protein change: p.Ser31982fs; shifts the reading frame from serine 31982.
Molecular consequence: frameshift variant.
Genome position (GRCh38, 1-based): chr2:178,544,285, A deleted on the plus strand (T on the coding strand, the reverse complement: TTN is on the minus strand); the first of 2 consecutive A bases (chr2:178,544,285-178,544,286); deleting either gives the same sequence. VCF-style (leftmost placement, unchanged base first): chr2-178544284-GA-G. GRCh37 (hg19) VCF-style: chr2-179409011-GA-G.
Other names: c.91021del, p.Ser30341fs (NM_001256850.1); c.68749del, p.Ser22917fs (NM_003319.4); c.88240del, p.Ser29414fs (NM_133378.4); c.69124del, p.Ser23042fs (NM_133432.3); c.69325del, p.Ser23109fs (NM_133437.4); c.68749delT (NM_003319.4); short protein forms S23109fs, S30341fs, S29414fs, S22917fs, S23042fs, S31982fs.
Identifiers: ClinVar variation 1755897 (VCV001755897.3), dbSNP rs2468964807, ClinGen allele CA2580064679.